The following is an entry in ClinVar:

ClinVar aggregate classification (germline): Uncertain significance (1 of 4 stars; one submission).

Conditions:
Autosomal recessive limb-girdle muscular dystrophy type 2Y (MRRSDC). Also called: Muscular dystrophy, autosomal recessive, with rigid spine and distal joint contractures; Muscular dystrophy, limb-girdle, type 2y. Identifiers: Orphanet 424261, MedGen C4511482, MONDO:0014900, OMIM 617072.

gnomAD v4.1: 1 of 1,475,598 alleles (0.000068%); highest among the groups gnomAD compares: Non-Finnish European, 0.00009%; no homozygotes.

Submission:

Labcorp Genetics (formerly Invitae), Labcorp
Classification: Uncertain significance for Autosomal recessive limb-girdle muscular dystrophy type 2Y. Last evaluated: 2021-01-26. Review status: criteria provided, single submitter. Criteria: Invitae Variant Classification Sherloc (09022015). Collection method: clinical testing. Allele origin: germline.
Comment: In summary, the available evidence is currently insufficient to determine the role of this variant in disease. Therefore, it has been classified as a Variant of Uncertain Significance. Algorithms developed to predict the effect of sequence changes on RNA splicing suggest that this variant may create or strengthen a splice site, but this prediction has not been confirmed by published transcriptional studies. Algorithms developed to predict the effect of missense changes on protein structure and function are either unavailable or do not agree on the potential impact of this missense change (SIFT: "Deleterious"; PolyPhen-2: "Possibly Damaging"; Align-GVGD: "Class C0"). This variant has not been reported in the literature in individuals with TOR1AIP1-related conditions. The frequency data for this variant in the population databases is considered unreliable, as metrics indicate insufficient coverage at this position in the ExAC database. This sequence change replaces glutamic acid with valine at codon 13 of the TOR1AIP1 protein (p.Glu13Val). The glutamic acid residue is weakly conserved and there is a moderate physicochemical difference between glutamic acid and valine.

NM_015602.4(TOR1AIP1):c.38A>T (p.Glu13Val)

Genes: TOR1AIP1 (torsin 1A interacting protein 1; plus strand), LOC112577517 (Sharpr-MPRA regulatory region 13766; plus strand). Cytogenetic location: 1q25.2.
Variant type: single nucleotide variant.
Coding change: c.38A>T on transcript NM_015602.4 (MANE Select); coding-DNA position 38, A replaced by T.
Protein change: p.Glu13Val; replaces glutamic acid 13 with valine.
Molecular consequence: missense variant.
Genome position (GRCh38, 1-based): chr1:179,882,540, A>T. VCF-style: chr1-179882540-A-T. GRCh37 (hg19) VCF-style: chr1-179851675-A-T.
Other names: c.38A>T, p.Glu13Val (NM_001267578.2); short protein forms E13V.
Identifiers: ClinVar variation 1411837 (VCV001411837.8), dbSNP rs768829514, ClinGen allele CA343577526.
Genomic context (GRCh38, chr1:179,882,540, plus strand): 5'-CGACTAAAGCTACGTCAACAACTATGGCGGGCGACGGGCGGCGGGCAGAGGCGGTGCGGG[A>T]AGGATGGGGTGTGTACGTCACCCCCAGGGCCCCCATCCGAGAGGGAAGGGGCCGGCTCGC-3'
Protein context (NP_056417.2, residues 3-23): GDGRRAEAVR[Glu13Val]GWGVYVTPRA